The following is an entry in ClinVar:

NM_005477.3(HCN4):c.346G>T (p.Gly116Cys)

Gene: HCN4 (hyperpolarization activated cyclic nucleotide gated potassium channel 4; minus strand). Cytogenetic location: 15q24.1.
Variant type: single nucleotide variant.
Coding change: c.346G>T on transcript NM_005477.3 (MANE Select); coding-DNA position 346, G replaced by T.
Protein change: p.Gly116Cys; replaces glycine 116 with cysteine.
Molecular consequence: missense variant.
Genome position (GRCh38, 1-based): chr15:73,367,925, C>A on the plus strand (G>T on the coding strand, the complement: HCN4 is on the minus strand). VCF-style: chr15-73367925-C-A. GRCh37 (hg19) VCF-style: chr15-73660266-C-A.
Other names: short protein forms G116C.
Identifiers: ClinVar variation 2162440 (VCV002162440.4), dbSNP rs753771827, ClinGen allele CA393098310.

ClinVar aggregate classification (germline): Uncertain significance (1 of 4 stars; one submission).

Conditions:
Brugada syndrome 8 (BRGDA8). Identifiers: Orphanet 130, MedGen C2751083, MONDO:0013148, OMIM 613123.

Submission:

Labcorp Genetics (formerly Invitae), Labcorp
Classification: Uncertain significance for Brugada syndrome 8. Last evaluated: 2022-01-28. Review status: criteria provided, single submitter. Criteria: Invitae Variant Classification Sherloc (09022015). Collection method: clinical testing. Allele origin: germline.
Comment: In summary, the available evidence is currently insufficient to determine the role of this variant in disease. Therefore, it has been classified as a Variant of Uncertain Significance. Advanced modeling of protein sequence and biophysical properties (such as structural, functional, and spatial information, amino acid conservation, physicochemical variation, residue mobility, and thermodynamic stability) performed at Invitae indicates that this missense variant is not expected to disrupt HCN4 protein function. This variant has not been reported in the literature in individuals affected with HCN4-related conditions. This variant is not present in population databases (gnomAD no frequency). This sequence change replaces glycine, which is neutral and non-polar, with cysteine, which is neutral and slightly polar, at codon 116 of the HCN4 protein (p.Gly116Cys).